The following is an entry in ClinVar:

NM_052867.4(NALCN):c.4581C>G (p.Asp1527Glu)

Gene: NALCN (sodium leak channel, non-selective; minus strand). Cytogenetic location: 13q32.3.
Variant type: single nucleotide variant.
Coding change: c.4581C>G on transcript NM_052867.4 (MANE Select); coding-DNA position 4581, C replaced by G.
Protein change: p.Asp1527Glu; replaces aspartic acid 1527 with glutamic acid.
Molecular consequence: missense variant.
Genome position (GRCh38, 1-based): chr13:101,065,427, G>C on the plus strand (C>G on the coding strand, the complement: NALCN is on the minus strand). VCF-style: chr13-101065427-G-C. GRCh37 (hg19) VCF-style: chr13-101717779-G-C.
Other names: c.4668C>G, p.Asp1556Glu (NM_001350748.2); c.4581C>G, p.Asp1527Glu (NM_001350749.2); c.4494C>G, p.Asp1498Glu (NM_001350750.2, NM_001350751.2); short protein forms D1527E, D1498E, D1556E.
Identifiers: ClinVar variation 3402575 (VCV003402575.2).

ClinVar aggregate classification (germline): Uncertain significance. Review status: criteria provided, multiple submitters, no conflicts (2 of 4 stars). 2 submissions from 2 submitters: Uncertain significance (2). Last evaluated 2025-11-17.

Conditions:
Inborn genetic diseases. Identifiers: MedGen C0950123, MeSH D030342.

gnomAD v4.1: 6 of 1,614,162 alleles (0.00037%); highest among the groups gnomAD compares: East Asian, 0.0045%; no homozygotes.

Submissions (2):

Labcorp Genetics (formerly Invitae), Labcorp
Classification: Uncertain significance. Last evaluated: 2025-11-17. Review status: criteria provided, single submitter. Criteria: Invitae Variant Classification Sherloc (09022015). Collection method: clinical testing. Allele origin: germline.
Comment: This sequence change replaces aspartic acid, which is acidic and polar, with glutamic acid, which is acidic and polar, at codon 1527 of the NALCN protein (p.Asp1527Glu). This variant is present in population databases (rs143067409, gnomAD 0.006%). This variant has not been reported in the literature in individuals affected with NALCN-related conditions. ClinVar contains an entry for this variant (Variation ID: 3402575). Invitae Evidence Modeling of protein sequence and biophysical properties (such as structural, functional, and spatial information, amino acid conservation, physicochemical variation, residue mobility, and thermodynamic stability) indicates that this missense variant is not expected to disrupt NALCN protein function with a negative predictive value of 80%. In summary, the available evidence is currently insufficient to determine the role of this variant in disease. Therefore, it has been classified as a Variant of Uncertain Significance.

Ambry Genetics
Classification: Uncertain significance for Inborn genetic diseases. Last evaluated: 2024-10-12. Review status: criteria provided, single submitter. Criteria: Ambry Variant Classification Scheme 2023. Collection method: clinical testing. Allele origin: germline.